The following is an entry in ClinVar:

NM_198525.3(KIF7):c.187G>A (p.Glu63Lys)

Gene: KIF7 (kinesin family member 7; minus strand). Cytogenetic location: 15q26.1.
Variant type: single nucleotide variant.
Coding change: c.187G>A on transcript NM_198525.3 (MANE Select); coding-DNA position 187, G replaced by A.
Protein change: p.Glu63Lys; replaces glutamic acid 63 with lysine.
Molecular consequence: missense variant.
Genome position (GRCh38, 1-based): chr15:89,652,744, C>T on the plus strand (G>A on the coding strand, the complement: KIF7 is on the minus strand). VCF-style: chr15-89652744-C-T. GRCh37 (hg19) VCF-style: chr15-90195975-C-T.
Other names: short protein forms E63K.
Identifiers: ClinVar variation 1357586 (VCV001357586.6), dbSNP rs1459778502, ClinGen allele CA393780165.

ClinVar aggregate classification (germline): Uncertain significance (1 of 4 stars; one submission).

Conditions:
Acrocallosal syndrome (ACLS). Also called: HALLUX DUPLICATION, POSTAXIAL POLYDACTYLY, AND ABSENCE OF CORPUS CALLOSUM; Schinzel syndrome 1; Absence of corpus callosum with unusual facial appearance, mental deficiency, duplication of the halluces and polydactyly. Identifiers: Orphanet 36, MedGen C0796147, MONDO:0008708, OMIM 200990.

Allele frequency attached by ClinVar (database versions not stated): gnomAD exomes 0.00001; TOPMed 0.00001.
gnomAD v4.1: 8 of 1,551,724 alleles (0.00052%); highest among the groups gnomAD compares: African/African-American, 0.0027%; no homozygotes.

Submission:

Labcorp Genetics (formerly Invitae), Labcorp
Classification: Uncertain significance for Acrocallosal syndrome. Last evaluated: 2025-07-14. Review status: criteria provided, single submitter. Criteria: Invitae Variant Classification Sherloc (09022015). Collection method: clinical testing. Allele origin: germline.
Comment: This sequence change replaces glutamic acid, which is acidic and polar, with lysine, which is basic and polar, at codon 63 of the KIF7 protein (p.Glu63Lys). This variant is present in population databases (no rsID available, gnomAD 0.002%). This variant has not been reported in the literature in individuals affected with KIF7-related conditions. ClinVar contains an entry for this variant (Variation ID: 1357586). Invitae Evidence Modeling of protein sequence and biophysical properties (such as structural, functional, and spatial information, amino acid conservation, physicochemical variation, residue mobility, and thermodynamic stability) indicates that this missense variant is not expected to disrupt KIF7 protein function with a negative predictive value of 80%. In summary, the available evidence is currently insufficient to determine the role of this variant in disease. Therefore, it has been classified as a Variant of Uncertain Significance.